The following is an entry in ClinVar:

ClinVar aggregate classification (germline): Uncertain significance. Review status: criteria provided, multiple submitters, no conflicts (2 of 4 stars). 3 submissions from 3 submitters: Uncertain significance (3). Last evaluated 2024-03-18.

Conditions:
Combined oxidative phosphorylation defect type 11. Also called: Combined oxidative phosphorylation deficiency 11; ENCEPHALONEUROMYOPATHY, INFANTILE, DUE TO MITOCHONDRIAL TRANSLATION DEFECT. Identifiers: Orphanet 324535, MedGen C5190991, MONDO:0013969, OMIM 614922.

Allele frequency attached by ClinVar (database versions not stated): gnomAD exomes below 0.00001.
gnomAD v4.1: 2 of 1,612,836 alleles (0.00012%); highest among the groups gnomAD compares: Admixed American, 0.0033%; no homozygotes.

Submissions (3):

Fulgent Genetics
Classification: Uncertain significance for Combined oxidative phosphorylation defect type 11. Last evaluated: 2024-03-18. Review status: criteria provided, single submitter. Criteria: ACMG Guidelines, 2015. Collection method: clinical testing. Allele origin: germline.

Genetics Laboratory - UDIAT Centre Diagnòstic, Hospital Universitari Parc Tauli
Classification: Uncertain significance for Combined oxidative phosphorylation defect type 11. Last evaluated: 2019-07-10. Review status: criteria provided, single submitter. Criteria: ACMG Guidelines, 2015. Collection method: clinical testing. Allele origin: biparental. Affected: yes.
Comment: Seen in combination with c.1286A>T

Baylor Genetics
Classification: Uncertain significance for Combined oxidative phosphorylation defect type 11. Last evaluated: 2019-02-01. Review status: criteria provided, single submitter. Criteria: ACMG Guidelines, 2015. Collection method: clinical testing. Allele origin: maternal. Affected: yes.
Comment: This variant was determined to be of uncertain significance according to ACMG Guidelines, 2015 [PMID:25741868].

NM_017909.4(RMND1):c.1049T>C (p.Met350Thr)

Gene: RMND1 (required for meiotic nuclear division 1 homolog; minus strand). Cytogenetic location: 6q25.1.
Variant type: single nucleotide variant.
Coding change: c.1049T>C on transcript NM_017909.4 (MANE Select); coding-DNA position 1049, T replaced by C.
Protein change: p.Met350Thr; replaces methionine 350 with threonine.
Molecular consequence: missense variant.
Genome position (GRCh38, 1-based): chr6:151,421,275, A>G on the plus strand (T>C on the coding strand, the complement: RMND1 is on the minus strand). VCF-style: chr6-151421275-A-G. GRCh37 (hg19) VCF-style: chr6-151742410-A-G.
Other names: c.539T>C, p.Met180Thr (NM_001271937.2); c.[1049T>C] (NM_017909.4); short protein forms M350T, M180T.
Identifiers: ClinVar variation 666265 (VCV000666265.3), dbSNP rs1582950315, ClinGen allele CA366059381.